The following is an entry in ClinVar:

NM_020975.6(RET):c.2359G>A (p.Val787Ile)

Gene: RET (ret proto-oncogene; plus strand). Cytogenetic location: 10q11.21.
Variant type: single nucleotide variant.
Coding change: c.2359G>A on transcript NM_020975.6 (MANE Select); coding-DNA position 2359, G replaced by A.
Protein change: p.Val787Ile; replaces valine 787 with isoleucine.
Molecular consequence: missense variant.
Genome position (GRCh38, 1-based): chr10:43,118,447, G>A. VCF-style: chr10-43118447-G-A. GRCh37 (hg19) VCF-style: chr10-43613895-G-A.
Other names: c.2224G>A, p.Val742Ile (NM_001406763.1, NM_001406765.1); c.2230G>A, p.Val744Ile (NM_001406764.1, NM_001406761.1, NM_001406762.1); c.2071G>A, p.Val691Ile (NM_001406766.1, NM_001406767.1, NM_001406770.1); c.2095G>A, p.Val699Ile (NM_001406768.1); c.1963G>A, p.Val655Ile (NM_001406769.1, NM_001406772.1); c.1921G>A, p.Val641Ile (NM_001406771.1, NM_001406773.1); c.1462G>A, p.Val488Ile (NM_001406782.1, NM_001406779.1, NM_001406780.1 and 1 more transcripts); c.1333G>A, p.Val445Ile (NM_001406783.1, NM_001406786.1); and 10 more; short protein forms V352I, V392I, V445I, V545I, V744I, V448I, V488I, V612I.
Identifiers: ClinVar variation 3594935 (VCV003594935.3).

ClinVar aggregate classification (germline): Uncertain significance. Review status: criteria provided, multiple submitters, no conflicts (2 of 4 stars). 2 submissions from 2 submitters: Uncertain significance (2). Last evaluated 2024-06-20.

Conditions:
Multiple endocrine neoplasia type 2B. Also called: Multiple endocrine neoplasia, type 3; MULTIPLE ENDOCRINE NEOPLASIA, TYPE IIB; MEN IIB; NEUROMATA, MUCOSAL, WITH ENDOCRINE TUMORS; WAGENMANN-FROBOESE SYNDROME; MULTIPLE ENDOCRINE NEOPLASIA, TYPE III. Identifiers: Orphanet 247709, Orphanet 653, MedGen C0025269, MeSH D018814, MONDO:0008082, OMIM 162300.
Pheochromocytoma. Also called: MAX-Related Hereditary Paraganglioma-Pheochromocytoma Syndrome. Identifiers: Orphanet 29072, MedGen C0031511, MONDO:0008233, OMIM 171300, HP:0002666.
Familial medullary thyroid carcinoma (MTC). Also called: Thyroid cancer, familial medullary; MTC, familial; Familial Medullary Thyroid Carcinoma (FMTC). Identifiers: Orphanet 653, Orphanet 99361, MedGen C1833921, MONDO:0007958, OMIM 155240.
Hirschsprung disease, susceptibility to, 1 (HSCR1). Also called: RET-Related Hirschsprung Disease. Identifiers: Orphanet 388, MedGen C3888239, MONDO:0007723, OMIM 142623.
Multiple endocrine neoplasia type 2A. Also called: MULTIPLE ENDOCRINE NEOPLASIA, TYPE IIA; PTC SYNDROME; SIPPLE SYNDROME; MEN 2A; MEN-2A syndrome; Pheochromocytoma and amyloid producing medullary thyroid carcinoma. Identifiers: Orphanet 247698, Orphanet 653, MedGen C0025268, MeSH D018813, MONDO:0008234, OMIM 171400.
Multiple endocrine neoplasia, type 2 (MEN2). Identifiers: Orphanet 653, MedGen C4048306, MONDO:0019003. Disease mechanism: gain of function.

Submissions (2):

Fulgent Genetics
Classification: Uncertain significance for Hirschsprung disease, susceptibility to, 1; Familial medullary thyroid carcinoma; Multiple endocrine neoplasia type 2B; Pheochromocytoma; Multiple endocrine neoplasia type 2A. Last evaluated: 2024-06-20. Review status: criteria provided, single submitter. Criteria: ACMG Guidelines, 2015. Collection method: clinical testing. Allele origin: germline.

Labcorp Genetics (formerly Invitae), Labcorp
Classification: Uncertain significance for Multiple endocrine neoplasia, type 2. Last evaluated: 2024-06-09. Review status: criteria provided, single submitter. Criteria: Invitae Variant Classification Sherloc (09022015). Collection method: clinical testing. Allele origin: germline.
Comment: This sequence change replaces valine, which is neutral and non-polar, with isoleucine, which is neutral and non-polar, at codon 787 of the RET protein (p.Val787Ile). This variant is not present in population databases (gnomAD no frequency). This missense change has been observed in individual(s) with unilateral renal agenesis and renal hypodysplasia (PMID: 21490379). Algorithms developed to predict the effect of missense changes on protein structure and function output the following: SIFT: "Not Available"; PolyPhen-2: "Benign"; Align-GVGD: "Not Available". The isoleucine amino acid residue is found in multiple mammalian species, which suggests that this missense change does not adversely affect protein function. In summary, the available evidence is currently insufficient to determine the role of this variant in disease. Therefore, it has been classified as a Variant of Uncertain Significance.

Literature cited by the submitters: PubMed 21490379 (cited by Labcorp Genetics (formerly Invitae), Labcorp).